The following is an entry in ClinVar:

ClinVar aggregate classification (germline): Uncertain significance (1 of 4 stars; one submission).

Allele frequency attached by ClinVar (database versions not stated): gnomAD exomes below 0.00001; ExAC 0.00001.
gnomAD v4.1: 3 of 1,613,232 alleles (0.00019%); highest among the groups gnomAD compares: African/African-American, 0.0013%; no homozygotes.

Submission:

Labcorp Genetics (formerly Invitae), Labcorp
Classification: Uncertain significance. Last evaluated: 2023-03-23. Review status: criteria provided, single submitter. Criteria: Invitae Variant Classification Sherloc (09022015). Collection method: clinical testing. Allele origin: germline.
Comment: This variant is present in population databases (rs781638695, gnomAD 0.0009%). This sequence change replaces leucine, which is neutral and non-polar, with valine, which is neutral and non-polar, at codon 581 of the LZTS1 protein (p.Leu581Val). This variant has not been reported in the literature in individuals affected with LZTS1-related conditions. An algorithm developed to predict the effect of missense changes on protein structure and function (PolyPhen-2) suggests that this variant is likely to be tolerated. In summary, the available evidence is currently insufficient to determine the role of this variant in disease. Therefore, it has been classified as a Variant of Uncertain Significance.

NM_021020.5(LZTS1):c.1741C>G (p.Leu581Val)

Gene: LZTS1 (leucine zipper tumor suppressor 1; minus strand). Cytogenetic location: 8p21.3.
Variant type: single nucleotide variant.
Coding change: c.1741C>G on transcript NM_021020.5 (MANE Select); coding-DNA position 1741, C replaced by G.
Protein change: p.Leu581Val; replaces leucine 581 with valine.
Molecular consequence: missense variant.
Genome position (GRCh38, 1-based): chr8:20,249,772, G>C on the plus strand (C>G on the coding strand, the complement: LZTS1 is on the minus strand). VCF-style: chr8-20249772-G-C. GRCh37 (hg19) VCF-style: chr8-20107283-G-C.
Other names: c.1741C>G, p.Leu581Val (NM_001362884.2); short protein forms L581V.
Identifiers: ClinVar variation 2837897 (VCV002837897.3), dbSNP rs781638695, ClinGen allele CA4657201.